The following is an entry in ClinVar:

ClinVar aggregate classification (germline): Uncertain significance (1 of 4 stars; one submission).

Conditions:
Familial adenomatous polyposis 1 (FAP1). Also called: FAMILIAL ADENOMATOUS POLYPOSIS 1, ATTENUATED; POLYPOSIS, ADENOMATOUS INTESTINAL. Identifiers: MedGen C2713442, MONDO:0021056, OMIM 175100. Disease mechanism: loss of function.

Allele frequency attached by ClinVar (database versions not stated): gnomAD exomes 0.00001; TOPMed 0.00001.

Submission:

Labcorp Genetics (formerly Invitae), Labcorp
Classification: Uncertain significance for Familial adenomatous polyposis 1. Last evaluated: 2026-01-13. Review status: criteria provided, single submitter. Criteria: Invitae Variant Classification Sherloc (09022015). Collection method: clinical testing. Allele origin: germline.
Comment: This variant occurs in a non-coding region of the APC gene. It does not change the encoded amino acid sequence of the APC protein. This variant is not present in population databases (gnomAD no frequency). This variant has been observed in individual(s) with clinical features of APC-related conditions (internal data). ClinVar contains an entry for this variant (Variation ID: 469881). Experimental studies and prediction algorithms are not available or were not evaluated, and the functional significance of this variant is currently unknown. In summary, the available evidence is currently insufficient to determine the role of this variant in disease. Therefore, it has been classified as a Variant of Uncertain Significance.

NC_000005.10:g.112707413A>T

Gene: APC (APC regulator of Wnt signaling pathway; plus strand). Cytogenetic location: 5q22.2.
Variant type: single nucleotide variant.
Genome position: GRCh38 VCF-style: chr5-112707413-A-T. GRCh37 (hg19) VCF-style: chr5-112043110-A-T.
Identifiers: ClinVar variation 469881 (VCV000469881.8), dbSNP rs1345543059, ClinGen allele CA658655873.
Genomic context (GRCh38, chr5:112,707,413, plus strand): 5'-AGACTCGGCTGCCTAGGCAGCAATGGCTCACGGGACAGAACAGCGAAGCAGTGCCCGGCA[A>T]GCGGAGCGCAGCACCCATTGCGCCTGCGCATAACAGGCTCTAGTCTCCGGGCTGTGGGAA-3'